The following is an entry in ClinVar:

ClinVar aggregate classification (germline): Uncertain significance (1 of 4 stars; one submission).

Allele frequency attached by ClinVar (database versions not stated): gnomAD exomes below 0.00001.
gnomAD v4.1: 3 of 1,614,144 alleles (0.00019%); highest among the groups gnomAD compares: Non-Finnish European, 0.00025%; no homozygotes.

Submission:

GeneDx
Classification: Uncertain significance. Last evaluated: 2023-07-25. Review status: criteria provided, single submitter. Criteria: GeneDx Variant Classification Process June 2021. Collection method: clinical testing. Allele origin: germline. Affected: yes.
Comment: Not observed at significant frequency in large population cohorts (gnomAD); In silico analysis supports that this missense variant has a deleterious effect on protein structure/function; Has not been previously published as pathogenic or benign to our knowledge

NM_020134.4(DPYSL5):c.974A>G (p.Asp325Gly)

Gene: DPYSL5 (dihydropyrimidinase like 5; plus strand). Cytogenetic location: 2p23.3.
Variant type: single nucleotide variant.
Coding change: c.974A>G on transcript NM_020134.4 (MANE Select); coding-DNA position 974, A replaced by G.
Protein change: p.Asp325Gly; replaces aspartic acid 325 with glycine.
Molecular consequence: missense variant.
Genome position (GRCh38, 1-based): chr2:26,940,057, A>G. VCF-style: chr2-26940057-A-G. GRCh37 (hg19) VCF-style: chr2-27162925-A-G.
Other names: c.974A>G, p.Asp325Gly (NM_001253723.2, NM_001253724.2); short protein forms D325G.
Identifiers: ClinVar variation 2574471 (VCV002574471.1), dbSNP rs2465524041, ClinGen allele CA346141242.
Genomic context (GRCh38, chr2:26,940,057, plus strand): 5'-TCCCCTTACTGGTCACCTCCTTTTCTCTACCCAGTGACACTCTGAACATCGTGGCATCAG[A>G]TCACCGGCCTTTCACCACAAAGCAGAAAGCTATGGGCAAGGAAGACTTCACCAAGATCCC-3'
Protein context (NP_064519.2, residues 315-335): ANDTLNIVAS[Asp325Gly]HRPFTTKQKA